The following is an entry in ClinVar:

NM_001165963.4(SCN1A):c.4477-338T>A

Genes: SCN1A (sodium voltage-gated channel alpha subunit 1; minus strand), LOC102724058 (uncharacterized LOC102724058; plus strand). Cytogenetic location: 2q24.3.
Variant type: single nucleotide variant.
Coding change: c.4477-338T>A on transcript NM_001165963.4 (MANE Select); 338 bases into the intron before coding-DNA position 4477, T replaced by A.
Molecular consequence: intron variant.
Genome position (GRCh38, 1-based): chr2:165,996,455, A>T on the plus strand (T>A on the coding strand, the complement: SCN1A is on the minus strand). VCF-style: chr2-165996455-A-T. GRCh37 (hg19) VCF-style: chr2-166852965-A-T.
Other names: c.4477-338T>A (NM_001202435.3, NM_001353948.2); c.4441-338T>A (NM_001353955.2, NM_001353954.2); c.4393-338T>A (NM_001353957.2, NM_001165964.3, NM_001353958.2); c.4444-338T>A (NM_001353951.2, NM_001353952.2, NM_001353949.2 and 2 more transcripts); c.4390-338T>A (NM_001353960.2); c.2035-338T>A (NM_001353961.2).
Identifiers: ClinVar variation 668984 (VCV000668984.1), dbSNP rs17791817, ClinGen allele CA16118003.
Genomic context (GRCh38, chr2:165,996,455, plus strand): 5'-TTAGTGAGTGGCGAAATTTGGTTCACTGAGATAATAAATACTTGGTACCTTATACTATAC[A>T]TACTACCTTTATGATGTTAAAGGCAATAATTTTCTTATTTAAATGTAGCAAAGAGTTAGA-3'

ClinVar aggregate classification (germline): Benign (1 of 4 stars; one submission).

Allele frequency attached by ClinVar (database versions not stated): 1000 Genomes Project 0.03994; 1000 Genomes Project 30x 0.04044; gnomAD 0.06433; TOPMed 0.06446.
gnomAD v4.1: 13,623 of 198,426 alleles (6.9%); highest among the groups gnomAD compares: Middle Eastern, 17%; 617 homozygotes.

Submission:

GeneDx
Classification: Benign. Last evaluated: 2018-06-19. Review status: criteria provided, single submitter. Criteria: GeneDx Variant Classification (06012015). Collection method: clinical testing. Allele origin: germline. Affected: yes.
Comment: This variant is considered likely benign or benign based on one or more of the following criteria: it is a conservative change, it occurs at a poorly conserved position in the protein, it is predicted to be benign by multiple in silico algorithms, and/or has population frequency not consistent with disease.